The following is an entry in ClinVar:

ClinVar aggregate classification (germline): Pathogenic (1 of 4 stars; one submission).

Submission:

ARUP Laboratories, Molecular Genetics and Genomics, ARUP Laboratories
Classification: Pathogenic. Last evaluated: 2024-02-28. Review status: criteria provided, single submitter. Criteria: ARUP Molecular Germline Variant Investigation Process 2024. Collection method: clinical testing. Allele origin: germline.
Comment: The SLC4A1 c.2311+2T>C variant is reported in the literature in a single individual affected with hereditary spherocytosis (Vives-Corrons 2021). This variant is absent from the Genome Aggregation Database (v2.1.1), indicating it is not a common polymorphism. This variant disrupts the canonical splice donor site of intron 17, which is likely to negatively impact gene function. Based on available information, this variant is considered to be pathogenic. References: Vives-Corrons JL et al. Characterization of hereditary red blood cell membranopathies using combined targeted next-generation sequencing and osmotic gradient ektacytometry. Int J Hematol. 2021 Feb. PMID: 33074480.

NM_000342.4(SLC4A1):c.2311+2T>C

Gene: SLC4A1 (solute carrier family 4 member 1 (Diego blood group); minus strand). Cytogenetic location: 17q21.31.
Variant type: single nucleotide variant.
Coding change: c.2311+2T>C on transcript NM_000342.4 (MANE Select); the canonical splice donor site of the intron after coding-DNA position 2311, T replaced by C.
Molecular consequence: splice donor variant.
Genome position (GRCh38, 1-based): chr17:44,253,116, A>G on the plus strand (T>C on the coding strand, the complement: SLC4A1 is on the minus strand). VCF-style: chr17-44253116-A-G. GRCh37 (hg19) VCF-style: chr17-42330484-A-G.
Identifiers: ClinVar variation 3766481 (VCV003766481.1).